The following is an entry in ClinVar:

NM_001164508.2(NEB):c.1700A>T (p.Lys567Met)

Gene: NEB (nebulin; minus strand). Cytogenetic location: 2q23.3.
Variant type: single nucleotide variant.
Coding change: c.1700A>T on transcript NM_001164508.2 (MANE Select); coding-DNA position 1700, A replaced by T.
Protein change: p.Lys567Met; replaces lysine 567 with methionine.
Molecular consequence: missense variant.
Genome position (GRCh38, 1-based): chr2:151,694,604, T>A on the plus strand (A>T on the coding strand, the complement: NEB is on the minus strand). VCF-style: chr2-151694604-T-A. GRCh37 (hg19) VCF-style: chr2-152551118-T-A.
Other names: c.1700A>T, p.Lys567Met (NM_001271208.2, NM_001164507.2, NM_004543.5); short protein forms K567M.
Identifiers: ClinVar variation 990578 (VCV000990578.5), dbSNP rs1360278350, ClinGen allele CA348824730.
Genomic context (GRCh38, chr2:151,694,604, plus strand): 5'-GCTTTGGCTGCCAGCAGGGGAATGGCATCCACTTTAATGTCAAACTTTTTGGCTTTGCTC[T>A]TCTCCCAGTCTTGCTTATAAAGATTCTGGACAAAAAAATTCAGCAAAGGAATTGGCAAAA-3'
Protein context (NP_001157980.2, residues 557-577): SDNLYKQDWE[Lys567Met]SKAKKFDIKV

ClinVar aggregate classification (germline): Uncertain significance. Review status: criteria provided, single submitter (1 of 4 stars). 2 submissions from 2 submitters: Uncertain significance (1). 1 of the submissions does not count toward it. Last evaluated 2024-07-03.

Conditions:
Nemaline myopathy 2 (NEM2). Also called: Nemaline myopathy 2, autosomal recessive. Identifiers: MedGen C1850569, MONDO:0009725, OMIM 256030.

Submissions (2):

Labcorp Genetics (formerly Invitae), Labcorp
Classification: Uncertain significance for Nemaline myopathy 2. Last evaluated: 2024-07-03. Review status: criteria provided, single submitter. Criteria: Invitae Variant Classification Sherloc (09022015). Collection method: clinical testing. Allele origin: germline.
Comment: This sequence change replaces lysine, which is basic and polar, with methionine, which is neutral and non-polar, at codon 567 of the NEB protein (p.Lys567Met). This variant is not present in population databases (gnomAD no frequency). This variant has not been reported in the literature in individuals affected with NEB-related conditions. ClinVar contains an entry for this variant (Variation ID: 990578). Experimental studies and prediction algorithms are not available or were not evaluated, and the functional significance of this variant is currently unknown. In summary, the available evidence is currently insufficient to determine the role of this variant in disease. Therefore, it has been classified as a Variant of Uncertain Significance.

Natera, Inc.
Classification: Uncertain significance for Nemaline myopathy type 2. Last evaluated: 2020-08-13. Review status: no assertion criteria provided. Collection method: clinical testing. Allele origin: germline. Not counted in ClinVar's aggregate classification.